The following is an entry in ClinVar:

ClinVar aggregate classification (germline): Uncertain significance (1 of 4 stars; one submission).

Conditions:
Marfan syndrome (MFS). Also called: MARFAN SYNDROME, TYPE I; Marfan syndrome type 1; Marfan's syndrome; Marfan syndrome, classic; FBN1-Related Marfan Syndrome. Identifiers: Orphanet 284963, Orphanet 558, MedGen C0024796, MONDO:0007947, OMIM 154700.

Submission:

All of Us Research Program, National Institutes of Health
Classification: Uncertain significance for Marfan syndrome. Last evaluated: 2023-05-30. Review status: criteria provided, single submitter. Criteria: ACMG Guidelines, 2015. Collection method: clinical testing. Allele origin: germline. Inheritance: Autosomal dominant inheritance. Observed: 1 variant allele, 1 heterozygote.
Comment: This missense variant replaces alanine with threonine at codon 691 of the FBN1 protein. Computational prediction suggests that this variant may have deleterious impact on protein structure and function (internally defined REVEL score threshold >= 0.7, PMID: 27666373). To our knowledge, functional studies have not been reported for this variant. This variant has not been reported in individuals affected with FBN1-related disorders in the literature. This variant has not been identified in the general population by the Genome Aggregation Database (gnomAD). The available evidence is insufficient to determine the role of this variant in disease conclusively. Therefore, this variant is classified as a Variant of Uncertain Significance.

This study involves interpretation of variants in research participants for the purpose of population health screening. Participant phenotype was not available at the time of variant classification. Additional details can be found in publication PMID: 35346344, PMCID: PMC8962531

NM_000138.5(FBN1):c.2071G>A (p.Ala691Thr)

Gene: FBN1 (fibrillin 1; minus strand). Cytogenetic location: 15q21.1.
Variant type: single nucleotide variant.
Coding change: c.2071G>A on transcript NM_000138.5 (MANE Select); coding-DNA position 2071, G replaced by A.
Protein change: p.Ala691Thr; replaces alanine 691 with threonine.
Molecular consequence: missense variant.
Genome position (GRCh38, 1-based): chr15:48,503,829, C>T on the plus strand (G>A on the coding strand, the complement: FBN1 is on the minus strand). VCF-style: chr15-48503829-C-T. GRCh37 (hg19) VCF-style: chr15-48796026-C-T.
Other names: c.2071G>A, p.Ala691Thr (NM_001406716.1); short protein forms A691T.
Identifiers: ClinVar variation 3071329 (VCV003071329.1), dbSNP rs794728183, ClinGen allele CA392338165.